The following is an entry in ClinVar:

NM_014365.3(HSPB8):c.368-106T>C

Gene: HSPB8 (heat shock protein family B (small) member 8; plus strand). Cytogenetic location: 12q24.23.
Variant type: single nucleotide variant.
Coding change: c.368-106T>C on transcript NM_014365.3 (MANE Select); 106 bases into the intron before coding-DNA position 368, T replaced by C.
Molecular consequence: intron variant.
Genome position (GRCh38, 1-based): chr12:119,186,919, T>C. VCF-style: chr12-119186919-T-C. GRCh37 (hg19) VCF-style: chr12-119624724-T-C.
Identifiers: ClinVar variation 677276 (VCV000677276.2), dbSNP rs113181286, ClinGen allele CA244339774.

ClinVar aggregate classification (germline): Benign. Review status: criteria provided, multiple submitters, no conflicts (2 of 4 stars). 2 submissions from 2 submitters: Benign (2). Last evaluated 2018-06-16.

Allele frequency attached by ClinVar (database versions not stated): gnomAD exomes 0.00297; gnomAD 0.02819 and 0.03040; 1000 Genomes Project 0.03095; TOPMed 0.03216; 1000 Genomes Project 30x 0.03310.
gnomAD v4.1: 7,048 of 1,052,012 alleles (0.67%); highest among the groups gnomAD compares: African/African-American, 9.8%; 310 homozygotes.

Submissions (2):

GeneDx
Classification: Benign. Last evaluated: 2018-06-16. Review status: criteria provided, single submitter. Criteria: GeneDx Variant Classification (06012015). Collection method: clinical testing. Allele origin: germline. Affected: yes.
Comment: This variant is considered likely benign or benign based on one or more of the following criteria: it is a conservative change, it occurs at a poorly conserved position in the protein, it is predicted to be benign by multiple in silico algorithms, and/or has population frequency not consistent with disease.

Breakthrough Genomics
Classification: Benign. Review status: criteria provided, single submitter. Criteria: ACMG Guidelines, 2015. Collection method: not provided. Allele origin: germline. Inheritance: Autosomal dominant inheritance. Affected: yes.